The following is an entry in ClinVar:

NC_000005.10:g.(?_7869114)_(7900078_?)del

Gene: MTRR (5-methyltetrahydrofolate-homocysteine methyltransferase reductase; plus strand). Cytogenetic location: 5p15.31.
Variant type: Deletion.
Identifiers: ClinVar variation 831783 (VCV000831783.1).

ClinVar aggregate classification (germline): Pathogenic (1 of 4 stars; one submission).

Conditions:
Methylcobalamin deficiency type cblE (HMAE). Also called: HOMOCYSTINURIA-MEGALOBLASTIC ANEMIA, cblE TYPE; HOMOCYSTINURIA-MEGALOBLASTIC ANEMIA, cblE COMPLEMENTATION TYPE; VITAMIN B12-RESPONSIVE HOMOCYSTINURIA, cblE TYPE. Identifiers: Orphanet 2169, Orphanet 622, MedGen C1856057, MONDO:0009354, OMIM 236270.

Submission:

Labcorp Genetics (formerly Invitae), Labcorp
Classification: Pathogenic for Homocystinuria-Megaloblastic anemia due to defect in cobalamin metabolism, cblE complementation type. Last evaluated: 2019-01-23. Review status: criteria provided, single submitter. Criteria: Invitae Variant Classification Sherloc (09022015). Collection method: clinical testing. Allele origin: germline.
Comment: A gross deletion of the genomic region encompassing the full coding sequence of the MTRR gene has been identified. The boundaries of this event are unknown as the deletion extends beyond the assayed region for this gene and therefore may encompass additional genes. This variant has not been reported in the literature in individuals with MTRR-related conditions. Loss-of-function variants in MTRR are known to be pathogenic (PMID: 15714522). For these reasons, this variant has been classified as Pathogenic.